The following is an entry in ClinVar:

NM_006019.4(TCIRG1):c.16C>T (p.Arg6Trp)

Gene: TCIRG1 (T cell immune regulator 1, ATPase H+ transporting V0 subunit a3; plus strand). Cytogenetic location: 11q13.2.
Variant type: single nucleotide variant.
Coding change: c.16C>T on transcript NM_006019.4 (MANE Select); coding-DNA position 16, C replaced by T.
Protein change: p.Arg6Trp; replaces arginine 6 with tryptophan.
Molecular consequence: missense variant. On other transcripts: 5 prime UTR variant (1).
Genome position (GRCh38, 1-based): chr11:68,041,287, C>T. VCF-style: chr11-68041287-C-T. GRCh37 (hg19) VCF-style: chr11-67808754-C-T.
Other names: c.-1234C>T (NM_001351059.2); short protein forms R6W.
Identifiers: ClinVar variation 990507 (VCV000990507.7), dbSNP rs563996115, ClinGen allele CA6146610.

ClinVar aggregate classification (germline): Uncertain significance. Review status: criteria provided, multiple submitters, no conflicts (2 of 4 stars). 4 submissions from 4 submitters: Uncertain significance (3). 1 of the submissions does not count toward it. Last evaluated 2026-03-02.

Conditions:
Autosomal recessive osteopetrosis 1. Also called: ALBERS-SCHONBERG DISEASE, AUTOSOMAL RECESSIVE; TCIRG1-Related Autosomal Recessive Osteopetrosis; TCIRG1-Related Osteopetrosis. Identifiers: Orphanet 667, MedGen C1850127, MONDO:0009815, OMIM 259700.

Allele frequency attached by ClinVar (database versions not stated): gnomAD 0.00001; TOPMed 0.00001; gnomAD exomes 0.00002; ExAC 0.00003; 1000 Genomes Project 30x 0.00016; 1000 Genomes Project 0.00020.

Submissions (4):

Women's Health and Genetics/Laboratory Corporation of America, LabCorp
Classification: Uncertain significance. Last evaluated: 2026-03-02. Review status: criteria provided, single submitter. Criteria: LabCorp Variant Classification Summary - May 2015. Collection method: clinical testing. Allele origin: germline.
Comment: Variant summary: TCIRG1 c.16C>T (p.Arg6Trp) results in a non-conservative amino acid change in the encoded protein sequence. Algorithms developed to predict the effect of missense changes on protein structure and function all suggest that this variant is likely to be disruptive. The variant allele was found at a frequency of 1.6e-05 in 249760 control chromosomes. The available data on variant occurrences in the general population are insufficient to allow any conclusion about variant significance. To our knowledge, no occurrence of c.16C>T in individuals affected with TCIRG1-related conditions and no experimental evidence demonstrating its impact on protein function have been reported. ClinVar contains an entry for this variant (Variation ID: 990507). Based on the evidence outlined above, the variant was classified as uncertain significance.

Labcorp Genetics (formerly Invitae), Labcorp
Classification: Uncertain significance. Last evaluated: 2025-01-13. Review status: criteria provided, single submitter. Criteria: Invitae Variant Classification Sherloc (09022015). Collection method: clinical testing. Allele origin: germline.
Comment: This sequence change replaces arginine, which is basic and polar, with tryptophan, which is neutral and slightly polar, at codon 6 of the TCIRG1 protein (p.Arg6Trp). This variant is present in population databases (rs563996115, gnomAD 0.02%). This variant has not been reported in the literature in individuals affected with TCIRG1-related conditions. ClinVar contains an entry for this variant (Variation ID: 990507). Invitae Evidence Modeling of protein sequence and biophysical properties (such as structural, functional, and spatial information, amino acid conservation, physicochemical variation, residue mobility, and thermodynamic stability) indicates that this missense variant is expected to disrupt TCIRG1 protein function with a positive predictive value of 80%. In summary, the available evidence is currently insufficient to determine the role of this variant in disease. Therefore, it has been classified as a Variant of Uncertain Significance.

Fulgent Genetics
Classification: Uncertain significance for Autosomal recessive osteopetrosis 1. Last evaluated: 2021-12-23. Review status: criteria provided, single submitter. Criteria: ACMG Guidelines, 2015. Collection method: clinical testing. Allele origin: unknown.

Natera, Inc.
Classification: Uncertain significance for Infantile malignant osteopetrosis. Last evaluated: 2020-04-15. Review status: no assertion criteria provided. Collection method: clinical testing. Allele origin: germline. Not counted in ClinVar's aggregate classification.